The following is an entry in ClinVar:

NM_001270508.2(TNFAIP3):c.811C>T (p.Arg271Ter)

Gene: TNFAIP3 (TNF alpha induced protein 3; plus strand). Cytogenetic location: 6q23.3.
Variant type: single nucleotide variant.
Coding change: c.811C>T on transcript NM_001270508.2 (MANE Select); coding-DNA position 811, C replaced by T.
Protein change: p.Arg271Ter; replaces arginine 271 with a stop codon.
Molecular consequence: nonsense.
Genome position (GRCh38, 1-based): chr6:137,877,081, C>T. VCF-style: chr6-137877081-C-T. GRCh37 (hg19) VCF-style: chr6-138198218-C-T.
Other names: c.811C>T, p.Arg271Ter (NM_001270507.2, NM_006290.4); short protein forms R271*.
Identifiers: ClinVar variation 219110 (VCV000219110.13), dbSNP rs864321626, ClinGen allele CA279910.

ClinVar aggregate classification (germline): Pathogenic. Review status: criteria provided, multiple submitters, no conflicts (2 of 4 stars). 4 submissions from 4 submitters: Pathogenic (3). 1 of the submissions does not count toward it. Last evaluated 2025-02-10.

Conditions:
Autoinflammatory syndrome, familial, Behcet-like 1 (AIFBL1). Also called: Haploinsufficiency of A20. Identifiers: Orphanet 674762, MedGen C4225218, MONDO:0800045, OMIM 616744.
TNFAIP3-related disorder. Also called: TNFAIP3-related condition.

Submissions (4):

Labcorp Genetics (formerly Invitae), Labcorp
Classification: Pathogenic. Last evaluated: 2025-02-10. Review status: criteria provided, single submitter. Criteria: Invitae Variant Classification Sherloc (09022015). Collection method: clinical testing. Allele origin: germline.
Comment: This sequence change creates a premature translational stop signal (p.Arg271*) in the TNFAIP3 gene. It is expected to result in an absent or disrupted protein product. Loss-of-function variants in TNFAIP3 are known to be pathogenic (PMID: 26642243). This variant is not present in population databases (gnomAD no frequency). This premature translational stop signal has been observed in individual(s) with Behcet-like autoinflammatory syndrome and/or early onset systemic inflammation (PMID: 26642243, 31795558, 32441320). ClinVar contains an entry for this variant (Variation ID: 219110). Algorithms developed to predict the effect of variants on gene product structure and function are not available or were not evaluated for this variant. Experimental studies have shown that this premature translational stop signal affects TNFAIP3 function (PMID: 26642243). For these reasons, this variant has been classified as Pathogenic.

Blueprint Genetics
Classification: Pathogenic for TNFAIP3-related disorders. Last evaluated: 2024-07-08. Review status: criteria provided, single submitter. Criteria: ACMG Guidelines, 2015. Collection method: clinical testing. Allele origin: germline. Affected: yes. Observed: 1 variant allele.

GeneDx
Classification: Pathogenic. Last evaluated: 2017-11-07. Review status: criteria provided, single submitter. Criteria: GeneDx Variant Classification (06012015). Collection method: clinical testing. Allele origin: germline. Affected: yes.
Comment: The R271X variant in the TNFAIP3 gene has been reported previously in the heterozygous state in association with Behcet-like autoinflammatory syndrome (Zhou et al., 2016). This variant is predicted to cause loss of normal protein function either through protein truncation or nonsense-mediated mRNA decay. Functional assays confirmed that the R271X variant results in loss of normal protein function (Zhou et al., 2016). The R271X variant is not observed in large population cohorts (Lek et al., 2016). We interpret R271X as a pathogenic variant.

OMIM
Classification: Pathogenic for AUTOINFLAMMATORY SYNDROME, FAMILIAL, BEHCET-LIKE 1. Last evaluated: 2016-01-01. Review status: no assertion criteria provided. Collection method: literature only. Allele origin: germline. Not counted in ClinVar's aggregate classification.

Literature cited by the submitters: PubMed 26642243 (cited by Labcorp Genetics (formerly Invitae), Labcorp and OMIM); PubMed 31795558 (cited by Labcorp Genetics (formerly Invitae), Labcorp); PubMed 32441320 (cited by Labcorp Genetics (formerly Invitae), Labcorp).